The following is an entry in ClinVar:

NM_001038.6(SCNN1A):c.1629G>A (p.Thr543=)

Gene: SCNN1A (sodium channel epithelial 1 subunit alpha; minus strand). Cytogenetic location: 12p13.31.
Variant type: single nucleotide variant.
Coding change: c.1629G>A on transcript NM_001038.6 (MANE Select); coding-DNA position 1629, G replaced by A.
Protein change: p.Thr543=; no amino-acid change (threonine 543 retained).
Molecular consequence: synonymous variant.
Genome position (GRCh38, 1-based): chr12:6,348,727, C>T on the plus strand (G>A on the coding strand, the complement: SCNN1A is on the minus strand). VCF-style: chr12-6348727-C-T. GRCh37 (hg19) VCF-style: chr12-6457893-C-T.
Other names: c.1698G>A, p.Thr566= (NM_001159575.2); c.1806G>A, p.Thr602= (NM_001159576.2).
Identifiers: ClinVar variation 2664769 (VCV002664769.2), dbSNP rs1379832700, ClinGen allele CA478117722.

ClinVar aggregate classification (germline): Uncertain significance. Review status: criteria provided, multiple submitters, no conflicts (2 of 4 stars). 2 submissions from 2 submitters: Uncertain significance (2). Last evaluated 2024-03-18.

Conditions:
Pseudohypoaldosteronism, type IB1, autosomal recessive. Also called: Pseudohypoaldosteronism, Type I, Autosomal Recessive; Pseudohypoaldosteronism, Type I, Recessive; Autosomal recessive pseudohypoaldosteronism type 1; PHA I, AUTOSOMAL RECESSIVE. Identifiers: Orphanet 171876, Orphanet 756, MedGen C5774176, MONDO:0009917, OMIM 264350.
Liddle syndrome 3. Identifiers: MedGen C4748292, MONDO:0029132, OMIM 618126.
Bronchiectasis with or without elevated sweat chloride 2 (BESC2). Identifiers: Orphanet 60033, MedGen C2751666, MONDO:0013087, OMIM 613021.

Allele frequency attached by ClinVar (database versions not stated): TOPMed below 0.00001; gnomAD 0.00001; gnomAD exomes 0.00001.
gnomAD v4.1: 14 of 1,612,434 alleles (0.00087%); highest among the groups gnomAD compares: African/African-American, 0.0027%; no homozygotes.

Submissions (2):

Fulgent Genetics
Classification: Uncertain significance for Pseudohypoaldosteronism, type IB1, autosomal recessive; Bronchiectasis with or without elevated sweat chloride 2; Liddle syndrome 3. Last evaluated: 2024-03-18. Review status: criteria provided, single submitter. Criteria: ACMG Guidelines, 2015. Collection method: clinical testing. Allele origin: germline.

Genetics and Molecular Pathology, SA Pathology
Classification: Uncertain significance for Bronchiectasis with or without elevated sweat chloride 2. Last evaluated: 2022-10-14. Review status: criteria provided, single submitter. Criteria: ACMG Guidelines, 2015. Collection method: clinical testing. Allele origin: germline. Affected: yes.
Comment: The SCNN1A c.1629G>A is a single nucleotide substitution of the last nucleotide of exon 12 (of 13) and in silico splice predictors indicate that it may affect splicing (PP3). The variant is rare in population databases (gnomAD allele frequency = 0.0013%; 2 het and 0 hom in 151392 sequenced alleles) (PM2). The variant is located in the sodium channel subunit alpha domain (PM1) in a region that is highly conserved in mammals. The variant has not been reported in the HGMD database or ClinVar.